The following is an entry in ClinVar:

NM_000173.7(GP1BA):c.1206G>A (p.Leu402=)

Gene: GP1BA (glycoprotein Ib platelet subunit alpha; plus strand). Cytogenetic location: 17p13.2.
Variant type: single nucleotide variant.
Coding change: c.1206G>A on transcript NM_000173.7 (MANE Select); coding-DNA position 1206, G replaced by A.
Protein change: p.Leu402=; no amino-acid change (leucine 402 retained).
Molecular consequence: synonymous variant.
Genome position (GRCh38, 1-based): chr17:4,933,810, G>A. VCF-style: chr17-4933810-G-A. GRCh37 (hg19) VCF-style: chr17-4837105-G-A.
Identifiers: ClinVar variation 3351999 (VCV003351999.2).

ClinVar aggregate classification (germline): Likely benign. Review status: criteria provided, single submitter (1 of 4 stars). 2 submissions from 2 submitters: Likely benign (1). 1 of the submissions does not count toward it. Last evaluated 2023-02-28.

Conditions:
GP1BA-related disorder. Also called: GP1BA-related condition.

gnomAD v4.1: 1 of 1,606,752 alleles (0.000062%); highest among the groups gnomAD compares: Non-Finnish European, 0.000085%; no homozygotes.

Submissions (2):

Blueprint Genetics
Classification: Likely benign. Last evaluated: 2023-02-28. Review status: criteria provided, single submitter. Criteria: ACMG Guidelines, 2015. Collection method: clinical testing. Allele origin: germline.

PreventionGenetics, part of Exact Sciences
Classification: Likely benign for GP1BA-related condition. Last evaluated: 2024-09-27. Review status: no assertion criteria provided. Collection method: clinical testing. Allele origin: germline. Not counted in ClinVar's aggregate classification.
Comment: This variant is classified as likely benign based on ACMG/AMP sequence variant interpretation guidelines (Richards et al. 2015 PMID: 25741868, with internal and published modifications).